The following is an entry in ClinVar:

NM_001139.3(ALOX12B):c.650+1G>A

Gene: ALOX12B (arachidonate 12-lipoxygenase, 12R type; minus strand). Cytogenetic location: 17p13.1.
Variant type: single nucleotide variant.
Coding change: c.650+1G>A on transcript NM_001139.3 (MANE Select); the canonical splice donor site of the intron after coding-DNA position 650, G replaced by A.
Molecular consequence: splice donor variant.
Genome position (GRCh38, 1-based): chr17:8,080,657, C>T on the plus strand (G>A on the coding strand, the complement: ALOX12B is on the minus strand). VCF-style: chr17-8080657-C-T. GRCh37 (hg19) VCF-style: chr17-7983975-C-T.
Identifiers: ClinVar variation 4883349 (VCV004883349.2).

ClinVar aggregate classification (germline): Uncertain significance (1 of 4 stars; one submission).

Conditions:
Autosomal recessive congenital ichthyosis 2 (ARCI2). Identifiers: Orphanet 281122, Orphanet 79394, MedGen C3888093, MONDO:0009439, OMIM 242100.

Submission:

Dasa
Classification: Uncertain significance for Autosomal recessive congenital ichthyosis 2. Last evaluated: 2025-10-10. Review status: criteria provided, single submitter. Criteria: DASA Assertion Criteria. Collection method: clinical testing. Allele origin: germline.
Comment: NM_001139.3(ALOX12B):c.650+1G>A affects a canonical splice site and is predicted to disrupt normal RNA splicing. This variant is rare in population databases. The currently available literature and clinical evidence are not sufficient to establish a definitive association between this variant and the reported condition. Therefore, this variant is classified as a variant of uncertain significance.